The following is an entry in ClinVar:

ClinVar aggregate classification (germline): Uncertain significance (1 of 4 stars; one submission).

Allele frequency attached by ClinVar (database versions not stated): ExAC 0.00001; gnomAD 0.00002; TOPMed 0.00002; gnomAD exomes 0.00002.

Submission:

Labcorp Genetics (formerly Invitae), Labcorp
Classification: Uncertain significance. Last evaluated: 2025-05-13. Review status: criteria provided, single submitter. Criteria: Invitae Variant Classification Sherloc (09022015). Collection method: clinical testing. Allele origin: germline.
Comment: This sequence change falls in intron 1 of the IL18BP gene. It does not directly change the encoded amino acid sequence of the IL18BP protein. It affects a nucleotide within the consensus splice site. This variant is present in population databases (rs756889830, gnomAD 0.008%). This variant has not been reported in the literature in individuals affected with IL18BP-related conditions. ClinVar contains an entry for this variant (Variation ID: 2892879). Variants that disrupt the consensus splice site are a relatively common cause of aberrant splicing (PMID: 17576681, 9536098). Algorithms developed to predict the effect of sequence changes on RNA splicing suggest that this variant is not likely to affect RNA splicing. In summary, the available evidence is currently insufficient to determine the role of this variant in disease. Therefore, it has been classified as a Variant of Uncertain Significance.

Literature cited by the submitters: PubMed 17576681; PubMed 9536098.

NM_001039660.2(IL18BP):c.28+6C>T

Gene: IL18BP (interleukin 18 binding protein; plus strand). Cytogenetic location: 11q13.4.
Variant type: single nucleotide variant.
Coding change: c.28+6C>T on transcript NM_001039660.2 (MANE Select); 6 bases into the intron after coding-DNA position 28, C replaced by T.
Molecular consequence: intron variant.
Genome position (GRCh38, 1-based): chr11:72,000,018, C>T. VCF-style: chr11-72000018-C-T. GRCh37 (hg19) VCF-style: chr11-71711064-C-T.
Other names: c.28+6C>T (NM_001039659.2, NM_173044.3, NM_005699.3 and 3 more transcripts).
Identifiers: ClinVar variation 2892879 (VCV002892879.3), dbSNP rs756889830, ClinGen allele CA6166065.